The following is an entry in ClinVar:

NM_000059.4(BRCA2):c.5540C>G (p.Ala1847Gly)

Gene: BRCA2 (BRCA2 DNA repair associated; plus strand). Cytogenetic location: 13q13.1.
Variant type: single nucleotide variant.
Coding change: c.5540C>G on transcript NM_000059.4 (MANE Select); coding-DNA position 5540, C replaced by G.
Protein change: p.Ala1847Gly; replaces alanine 1847 with glycine.
Molecular consequence: missense variant.
Genome position (GRCh38, 1-based): chr13:32,339,895, C>G. VCF-style: chr13-32339895-C-G. GRCh37 (hg19) VCF-style: chr13-32914032-C-G.
Other names: short protein forms A1847G.
Identifiers: ClinVar variation 628411 (VCV000628411.7), dbSNP rs1566232630, ClinGen allele CA387785935.

ClinVar aggregate classification (germline): Conflicting classifications of pathogenicity. Review status: criteria provided, conflicting classifications (1 of 4 stars). 2 submissions from 2 submitters: Uncertain significance (1); Likely benign (1). Last evaluated 2023-12-05.

Conditions:
Hereditary cancer-predisposing syndrome. Also called: Neoplastic Syndromes, Hereditary; Tumor predisposition; Hereditary neoplastic syndrome; Hereditary Cancer Syndrome. Identifiers: Orphanet 140162, MedGen C0027672, MeSH D009386, MONDO:0015356.

Submissions (2):

Color Diagnostics, LLC DBA Color Health
Classification: Uncertain significance for Hereditary cancer-predisposing syndrome. Last evaluated: 2023-12-05. Review status: criteria provided, single submitter. Criteria: ACMG Guidelines, 2015. Collection method: clinical testing. Allele origin: germline.
Comment: This missense variant replaces alanine with glycine at codon 1847 of the BRCA2 protein. Computational prediction is inconclusive regarding the impact of this variant on protein structure and function (internally defined REVEL score threshold 0.5 < inconclusive < 0.7, PMID: 27666373). To our knowledge, functional studies have not been reported for this variant. This variant has not been reported in individuals affected with BRCA2-related disorders in the literature. This variant has not been identified in the general population by the Genome Aggregation Database (gnomAD). The available evidence is insufficient to determine the role of this variant in disease conclusively. Therefore, this variant is classified as a Variant of Uncertain Significance.

University of Washington Department of Laboratory Medicine, University of Washington
Classification: Likely benign for Hereditary cancer-predisposing syndrome. Last evaluated: 2023-03-23. Review status: criteria provided, single submitter. Criteria: Dines et al. (Genet Med. 2020). Collection method: curation. Allele origin: germline.
Comment: Missense variant in a coldspot region where missense variants are very unlikely to be pathogenic (PMID:31911673).

BRCA2 exon 11 coldspot. Reclassification based on statistical prior probability.